The following is an entry in ClinVar:

ClinVar aggregate classification (germline): Uncertain significance (1 of 4 stars; one submission).

Conditions:
Fanconi anemia complementation group J. Also called: BRIP1-Related Fanconi Anemia. Identifiers: Orphanet 84, MedGen C1836860, MONDO:0012187, OMIM 609054.
Familial cancer of breast. Also called: BREAST CANCER, FAMILIAL; Hereditary breast cancer; hereditary breast carcinoma. Identifiers: Orphanet 227535, MedGen C0346153, MONDO:0016419, OMIM 114480. Disease mechanism: loss of function.

gnomAD v4.1: 1 of 1,614,222 alleles (0.000062%); highest among the groups gnomAD compares: Non-Finnish European, 0.000085%; no homozygotes.

Submission:

Labcorp Genetics (formerly Invitae), Labcorp
Classification: Uncertain significance for Familial cancer of breast; Fanconi anemia complementation group J. Last evaluated: 2024-09-03. Review status: criteria provided, single submitter. Criteria: Invitae Variant Classification Sherloc (09022015). Collection method: clinical testing. Allele origin: germline.
Comment: This sequence change replaces asparagine, which is neutral and polar, with serine, which is neutral and polar, at codon 590 of the BRIP1 protein (p.Asn590Ser). This variant is not present in population databases (gnomAD no frequency). This variant has not been reported in the literature in individuals affected with BRIP1-related conditions. Invitae Evidence Modeling of protein sequence and biophysical properties (such as structural, functional, and spatial information, amino acid conservation, physicochemical variation, residue mobility, and thermodynamic stability) indicates that this missense variant is not expected to disrupt BRIP1 protein function with a negative predictive value of 80%. In summary, the available evidence is currently insufficient to determine the role of this variant in disease. Therefore, it has been classified as a Variant of Uncertain Significance.

NM_032043.3(BRIP1):c.1769A>G (p.Asn590Ser)

Gene: BRIP1 (BRCA1 interacting DNA helicase 1; minus strand). Cytogenetic location: 17q23.2.
Variant type: single nucleotide variant.
Coding change: c.1769A>G on transcript NM_032043.3 (MANE Select); coding-DNA position 1769, A replaced by G.
Protein change: p.Asn590Ser; replaces asparagine 590 with serine.
Molecular consequence: missense variant.
Genome position (GRCh38, 1-based): chr17:61,780,865, T>C on the plus strand (A>G on the coding strand, the complement: BRIP1 is on the minus strand). VCF-style: chr17-61780865-T-C. GRCh37 (hg19) VCF-style: chr17-59858226-T-C.
Other names: short protein forms N590S.
Identifiers: ClinVar variation 3757946 (VCV003757946.2).